The following is an entry in ClinVar:

ClinVar aggregate classification (germline): Uncertain significance (1 of 4 stars; one submission).

Conditions:
GNAS-related disorder. Identifiers: MedGen CN380105.

gnomAD v4.1: 4 of 1,611,718 alleles (0.00025%); highest among the groups gnomAD compares: East Asian, 0.0089%; no homozygotes.

Submission:

PreventionGenetics, part of Exact Sciences
Classification: Uncertain significance for GNAS-related condition. Last evaluated: 2025-04-17. Review status: criteria provided, single submitter. Criteria: ACMG Guidelines, 2015. Collection method: clinical testing. Allele origin: germline.
Comment: The GNAS c.758G>T variant is predicted to result in the amino acid substitution p.Ser253Ile. To our knowledge, this variant has not been reported in the literature. This variant is reported in 0.016% of alleles in individuals of East Asian descent in gnomAD. At this time, the clinical significance of this variant is uncertain due to the absence of conclusive functional and genetic evidence.

NM_080425.4(GNAS):c.758G>T (p.Ser253Ile)

Gene: GNAS (GNAS complex locus; plus strand). Cytogenetic location: 20q13.32.
Variant type: single nucleotide variant.
Coding change: c.758G>T on transcript NM_080425.4 (MANE Plus Clinical); coding-DNA position 758, G replaced by T.
Protein change: p.Ser253Ile; replaces serine 253 with isoleucine.
Molecular consequence: missense variant. On other transcripts: intron variant (3).
Genome position (GRCh38, 1-based): chr20:58,854,023, G>T. VCF-style: chr20-58854023-G-T. GRCh37 (hg19) VCF-style: chr20-57429078-G-T.
Other names: c.571G>T, p.Ala191Ser (NM_001077490.3, NM_001309883.1); c.758G>T, p.Ser253Ile (NM_001410913.1); c.*42+13137G>T (NM_016592.5); c.43+13137G>T (NM_001410912.1); c.-39+12148G>T (NM_001309861.2); short protein forms S253I, A191S.
Identifiers: ClinVar variation 4983426 (VCV004983426.1).